The following is an entry in ClinVar:

ClinVar aggregate classification (germline): Uncertain significance (1 of 4 stars; one submission).

Conditions:
Familial hypobetalipoproteinemia 1. Also called: APOB-Related Familial Hypobetalipoproteinemia; Hypobetalipoproteinemia, normotriglyceridemic; Acanthocytosis with hypobetalipoproteinemia. Identifiers: MedGen C4551990, MONDO:0014252, OMIM 615558.
Hypercholesterolemia, autosomal dominant, type B (FHCL2). Also called: Familial Hypercholesterolemia Type B; APOLIPOPROTEIN B-100, FAMILIAL DEFECTIVE; APOLIPOPROTEIN B-100, FAMILIAL LIGAND-DEFECTIVE; HYPERCHOLESTEROLEMIA, FAMILIAL, DUE TO LIGAND-DEFECTIVE APOLIPOPROTEIN B; Hyperlipoproteinemia Type IIb; Familial hypercholesterolemia 2. Identifiers: MedGen C1704417, MONDO:0007751, OMIM 144010.

Allele frequency attached by ClinVar (database versions not stated): TOPMed below 0.00001; gnomAD exomes 0.00001.

Submission:

Labcorp Genetics (formerly Invitae), Labcorp
Classification: Uncertain significance for Familial hypobetalipoproteinemia 1; Hypercholesterolemia, autosomal dominant, type B. Last evaluated: 2022-11-22. Review status: criteria provided, single submitter. Criteria: Invitae Variant Classification Sherloc (09022015). Collection method: clinical testing. Allele origin: germline.
Comment: In summary, the available evidence is currently insufficient to determine the role of this variant in disease. Therefore, it has been classified as a Variant of Uncertain Significance. Advanced modeling of protein sequence and biophysical properties (such as structural, functional, and spatial information, amino acid conservation, physicochemical variation, residue mobility, and thermodynamic stability) performed at Invitae indicates that this missense variant is not expected to disrupt APOB protein function. This variant has not been reported in the literature in individuals affected with APOB-related conditions. This variant is present in population databases (no rsID available, gnomAD 0.002%). This sequence change replaces valine, which is neutral and non-polar, with isoleucine, which is neutral and non-polar, at codon 3831 of the APOB protein (p.Val3831Ile).

NM_000384.3(APOB):c.11491G>A (p.Val3831Ile)

Gene: APOB (apolipoprotein B; minus strand). Cytogenetic location: 2p24.1.
Variant type: single nucleotide variant.
Coding change: c.11491G>A on transcript NM_000384.3 (MANE Select); coding-DNA position 11491, G replaced by A.
Protein change: p.Val3831Ile; replaces valine 3831 with isoleucine.
Molecular consequence: missense variant.
Genome position (GRCh38, 1-based): chr2:21,005,377, C>T on the plus strand (G>A on the coding strand, the complement: APOB is on the minus strand). VCF-style: chr2-21005377-C-T. GRCh37 (hg19) VCF-style: chr2-21228249-C-T.
Other names: short protein forms V3831I.
Identifiers: ClinVar variation 2931528 (VCV002931528.1), dbSNP rs1236107961, ClinGen allele CA345978444.
Genomic context (GRCh38, chr2:21,005,377, plus strand): 5'-CAAAGTCTGCGATCTTGTTGGCTACTGCATTTAGATCCAAAGCAGCAATGCCATCTGAAA[C>T]ACTTTTTGGAAGCGTGAACTGGGACACAGTTAACTGAGATTCAGGCACGGTTATCTCAAA-3'
Protein context (NP_000375.3, residues 3821-3841): TVSQFTLPKS[Val3831Ile]SDGIAALDLN